The following is an entry in ClinVar:

ClinVar aggregate classification (germline): Likely benign. Review status: criteria provided, multiple submitters, no conflicts (2 of 4 stars). 3 submissions from 3 submitters: Likely benign (3). Last evaluated 2026-08-01.

Allele frequency attached by ClinVar (database versions not stated): 1000 Genomes Project 0.00280; 1000 Genomes Project 30x 0.00312; ExAC 0.00355; gnomAD exomes 0.00498 and 0.00703; gnomAD 0.00551 and 0.00567; TOPMed 0.00597; ESP Exome Variant Server 0.00701.
gnomAD v4.1: 10,607 of 1,551,674 alleles (0.68%); highest among the groups gnomAD compares: Non-Finnish European, 0.82%; 43 homozygotes.

Submissions (3):

CeGaT Center for Human Genetics Tuebingen
Classification: Likely benign. Last evaluated: 2026-08-01. Review status: criteria provided, single submitter. Criteria: CeGaT Center For Human Genetics Tuebingen Variant Classification Criteria Version 2. Collection method: clinical testing. Allele origin: germline. Affected: yes. Observed: 9 variant alleles.
Comment: DNHD1: PP2, BP4, BS2

Labcorp Genetics (formerly Invitae), Labcorp
Classification: Likely benign. Last evaluated: 2019-12-31. Review status: criteria provided, single submitter. Criteria: Invitae Variant Classification Sherloc (09022015). Collection method: clinical testing. Allele origin: germline.

Breakthrough Genomics
Classification: Likely benign. Review status: criteria provided, single submitter. Criteria: ACMG Guidelines, 2015. Collection method: not provided. Allele origin: germline. Inheritance: Autosomal recessive inheritance. Affected: yes.

NM_144666.3(DNHD1):c.6109A>G (p.Ser2037Gly)

Gene: DNHD1 (dynein heavy chain domain 1; plus strand). Cytogenetic location: 11p15.4.
Variant type: single nucleotide variant.
Coding change: c.6109A>G on transcript NM_144666.3 (MANE Select); coding-DNA position 6109, A replaced by G.
Protein change: p.Ser2037Gly; replaces serine 2037 with glycine.
Molecular consequence: missense variant.
Genome position (GRCh38, 1-based): chr11:6,547,048, A>G. VCF-style: chr11-6547048-A-G. GRCh37 (hg19) VCF-style: chr11-6568278-A-G.
Other names: short protein forms S2037G.
Identifiers: ClinVar variation 773523 (VCV000773523.29), dbSNP rs146014217, ClinGen allele CA5856109.
Genomic context (GRCh38, chr11:6,547,048, plus strand): 5'-GACACCTCAACCCAAGGCTGCCAGCCTGTGGAAATTACCCACCTGTACCCCAGTGGCCTC[A>G]GCCCCCAGGAGTTCCTGGGATGGCTAGAGGGCTCCTGCTGGCATCATGGCATCTTTCCCA-3'
Protein context (NP_653267.2, residues 2027-2047): EITHLYPSGL[Ser2037Gly]PQEFLGWLEG